The following is an entry in ClinVar:

ClinVar aggregate classification (germline): Benign. Review status: criteria provided, multiple submitters, no conflicts (2 of 4 stars). 3 submissions from 3 submitters: Benign (3). Last evaluated 2024-01-24.

Conditions:
Netherton syndrome (NETH). Also called: ERYTHRODERMA, ICHTHYOSIFORM, WITH HYPOTRICHOSIS AND HYPER-IgE; COMEL-NETHERTON SYNDROME; NETHERTON DISEASE. Identifiers: Orphanet 634, MedGen C5574950, MONDO:0009735, OMIM 256500.

Allele frequency attached by ClinVar (database versions not stated): 1000 Genomes Project 30x 0.43051; ESP Exome Variant Server 0.43088; 1000 Genomes Project 0.43291; gnomAD 0.44132 and 0.44621; TOPMed 0.44522; ExAC 0.50391; gnomAD exomes 0.51316 and 0.51851.
gnomAD v4.1: 791,692 of 1,563,880 alleles (51%); highest among the groups gnomAD compares: Admixed American, 66%; 209,947 homozygotes.

Submissions (3):

Unidad de Genómica Garrahan, Hospital de Pediatría Garrahan
Classification: Benign. Last evaluated: 2024-01-24. Review status: criteria provided, single submitter. Criteria: ACMG Guidelines, 2015. Collection method: clinical testing. Allele origin: germline. Affected: no. Observed: 77 variant alleles.
Comment: This variant is classified as Benign based on local population frequency. This variant was detected in 88% of patients studied by a panel of primary immunodeficiencies. Number of patients: 77. Only high quality variants are reported.

Genome-Nilou Lab
Classification: Benign for Netherton syndrome. Last evaluated: 2021-07-15. Review status: criteria provided, single submitter. Criteria: ACMG Guidelines, 2015. Collection method: clinical testing. Allele origin: germline. Affected: no.

GeneDx
Classification: Benign. Last evaluated: 2015-03-03. Review status: criteria provided, single submitter. Criteria: GeneDx Variant Classification Process June 2021. Collection method: clinical testing. Allele origin: germline. Affected: yes.

NM_006846.4(SPINK5):c.1093-26C>T

Gene: SPINK5 (serine peptidase inhibitor Kazal type 5; plus strand). Cytogenetic location: 5q32.
Variant type: single nucleotide variant.
Coding change: c.1093-26C>T on transcript NM_006846.4 (MANE Select); 26 bases into the intron before coding-DNA position 1093, C replaced by T.
Molecular consequence: intron variant.
Genome position (GRCh38, 1-based): chr5:148,100,428, C>T. VCF-style: chr5-148100428-C-T. GRCh37 (hg19) VCF-style: chr5-147479991-C-T.
Other names: c.1093-26C>T (NM_001127698.2, NM_001127699.2).
Identifiers: ClinVar variation 1294233 (VCV001294233.6), dbSNP rs2303061, ClinGen allele CA3495472.